The following is an entry in ClinVar:

ClinVar aggregate classification (germline): Uncertain significance. Review status: criteria provided, multiple submitters, no conflicts (2 of 4 stars). 2 submissions from 2 submitters: Uncertain significance (2). Last evaluated 2025-06-24.

Conditions:
MAGEL2-related disorder. Also called: MAGEL2-related condition.
Inborn genetic diseases. Identifiers: MedGen C0950123, MeSH D030342.

Allele frequency attached by ClinVar (database versions not stated): gnomAD exomes below 0.00001; gnomAD 0.00001.

Submissions (2):

Ambry Genetics
Classification: Uncertain significance for Inborn genetic diseases. Last evaluated: 2025-06-24. Review status: criteria provided, single submitter. Criteria: Ambry Variant Classification Scheme 2023. Collection method: clinical testing. Allele origin: germline.

PreventionGenetics, part of Exact Sciences
Classification: Uncertain significance for MAGEL2-related condition. Last evaluated: 2025-03-13. Review status: criteria provided, single submitter. Criteria: ACMG Guidelines, 2015. Collection method: clinical testing. Allele origin: germline.
Comment: The MAGEL2 c.803T>C variant is predicted to result in the amino acid substitution p.Met268Thr. To our knowledge, this variant has not been reported in the literature. This variant is reported in 0.0062% of alleles in individuals of African descent in gnomAD. At this time, the clinical significance of this variant is uncertain due to the absence of conclusive functional and genetic evidence.

NM_019066.5(MAGEL2):c.803T>C (p.Met268Thr)

Gene: MAGEL2 (MAGE family member L2; minus strand). Cytogenetic location: 15q11.2.
Variant type: single nucleotide variant.
Coding change: c.803T>C on transcript NM_019066.5 (MANE Select); coding-DNA position 803, T replaced by C.
Protein change: p.Met268Thr; replaces methionine 268 with threonine.
Molecular consequence: missense variant.
Genome position (GRCh38, 1-based): chr15:23,646,940, A>G on the plus strand (T>C on the coding strand, the complement: MAGEL2 is on the minus strand). VCF-style: chr15-23646940-A-G. GRCh37 (hg19) VCF-style: chr15-23892087-A-G.
Other names: short protein forms M268T.
Identifiers: ClinVar variation 2545262 (VCV002545262.4), dbSNP rs1332681222, ClinGen allele CA391335795.